The following is an entry in ClinVar:

ClinVar aggregate classification (germline): Uncertain significance (1 of 4 stars; one submission).

Conditions:
Genitopatellar syndrome (GTPTS). Also called: ABSENT PATELLAE, SCROTAL HYPOPLASIA, RENAL ANOMALIES, FACIAL DYSMORPHISM, AND MENTAL RETARDATION; Genitopatellar syndrome (GPS). Identifiers: Orphanet 85201, MedGen C1853566, MONDO:0011640, OMIM 606170.

Submission:

Labcorp Genetics (formerly Invitae), Labcorp
Classification: Uncertain significance for Genitopatellar syndrome. Last evaluated: 2025-01-05. Review status: criteria provided, single submitter. Criteria: Invitae Variant Classification Sherloc (09022015). Collection method: clinical testing. Allele origin: germline.
Comment: This sequence change replaces threonine, which is neutral and polar, with arginine, which is basic and polar, at codon 580 of the KAT6B protein (p.Thr580Arg). This variant is not present in population databases (gnomAD no frequency). This variant has not been reported in the literature in individuals affected with KAT6B-related conditions. An algorithm developed to predict the effect of missense changes on protein structure and function (PolyPhen-2) suggests that this variant is likely to be tolerated. In summary, the available evidence is currently insufficient to determine the role of this variant in disease. Therefore, it has been classified as a Variant of Uncertain Significance.

NM_012330.4(KAT6B):c.1739C>G (p.Thr580Arg)

Gene: KAT6B (lysine acetyltransferase 6B; plus strand). Cytogenetic location: 10q22.2.
Variant type: single nucleotide variant.
Coding change: c.1739C>G on transcript NM_012330.4 (MANE Select); coding-DNA position 1739, C replaced by G.
Protein change: p.Thr580Arg; replaces threonine 580 with arginine.
Molecular consequence: missense variant. On other transcripts: intron variant (13).
Genome position (GRCh38, 1-based): chr10:74,976,076, C>G. VCF-style: chr10-74976076-C-G. GRCh37 (hg19) VCF-style: chr10-76735834-C-G.
Other names: c.1739C>G, p.Thr580Arg (NM_001370136.1, NM_001370137.1); c.1117+622C>G (NM_001370139.1, NM_001370140.1, NM_001370141.1 and 3 more transcripts); c.1444+295C>G (NM_001370138.1, NM_001256468.2); c.846+6301C>G (NM_001370133.1); c.193-3148C>G (NM_001370134.1); c.929-1240C>G (NM_001370143.1, NM_001370144.1); c.193-12943C>G (NM_001370135.1); short protein forms T580R.
Identifiers: ClinVar variation 3714896 (VCV003714896.2).